The following is an entry in ClinVar:

ClinVar aggregate classification (germline): Uncertain significance. Review status: criteria provided, multiple submitters, no conflicts (2 of 4 stars). 3 submissions from 3 submitters: Uncertain significance (3). Last evaluated 2023-04-07.

Conditions:
TSC2-related disorder. Also called: TSC2-Related Disorders; TSC2-related condition.
Tuberous sclerosis 2 (TSC2). Identifiers: Orphanet 805, MedGen C1860707, MONDO:0013199, OMIM 613254.

Submissions (3):

Labcorp Genetics (formerly Invitae), Labcorp
Classification: Uncertain significance for Tuberous sclerosis 2. Last evaluated: 2023-04-07. Review status: criteria provided, single submitter. Criteria: Invitae Variant Classification Sherloc (09022015). Collection method: clinical testing. Allele origin: germline.
Comment: In summary, the available evidence is currently insufficient to determine the role of this variant in disease. Therefore, it has been classified as a Variant of Uncertain Significance. ClinVar contains an entry for this variant (Variation ID: 1334834). This variant has not been reported in the literature in individuals affected with TSC2-related conditions. This variant is not present in population databases (gnomAD no frequency). This sequence change results in a frameshift in the TSC2 gene (p.Ala1776Lysfs*51). While this is not anticipated to result in nonsense mediated decay, it is expected to disrupt the last 32 amino acid(s) of the TSC2 protein and extend the protein by 18 additional amino acid residues.

PreventionGenetics, part of Exact Sciences
Classification: Uncertain significance for TSC2-related condition. Last evaluated: 2023-04-03. Review status: criteria provided, single submitter. Criteria: ACMG Guidelines, 2015. Collection method: clinical testing. Allele origin: germline.
Comment: The TSC2 c.5324_5325dupAA variant is predicted to result in a frameshift and premature protein termination (p.Ala1776Lysfs*51). To our knowledge, this variant has not been reported in the literature or in a large population database, indicating this variant is rare. This chain terminating variant occurs in the last exon and is predicted to escape from nonsense-mediated mRNA decay. Although we suspect that this variant may be pathogenic, at this time, the clinical significance of this variant is uncertain due to the absence of conclusive functional and genetic evidence.

Genetic Services Laboratory, University of Chicago
Classification: Uncertain significance. Last evaluated: 2017-11-14. Review status: criteria provided, single submitter. Criteria: ACMG Guidelines, 2015. Collection method: clinical testing. Allele origin: germline. Affected: no.

NM_000548.5(TSC2):c.5324_5325dup (p.Ala1776fs)

Gene: TSC2 (TSC complex subunit 2; plus strand). Cytogenetic location: 16p13.3.
Variant type: Duplication.
Coding change: c.5324_5325dup on transcript NM_000548.5 (MANE Select); coding-DNA positions 5324 to 5325, 2 bases duplicated (AA; older notation c.5324_5325dupAA).
Protein change: p.Ala1776fs; shifts the reading frame from alanine 1776.
Molecular consequence: frameshift variant.
Genome position (GRCh38, 1-based): chr16:2,088,510-2,088,511, AA duplicated; duplicating any 2 consecutive bases within chr16:2,088,509-2,088,511 gives the same sequence; the c. name uses the placement nearest the transcript's 3' end. VCF-style (leftmost placement, unchanged base first): chr16-2088508-C-CAA. GRCh37 (hg19) VCF-style: chr16-2138509-C-CAA.
Other names: c.5123_5124dup, p.Ala1709fs (NM_001077183.3); c.5255_5256dup, p.Ala1753fs (NM_001114382.3); c.5015_5016dup, p.Ala1673fs (NM_001318827.2); c.4979_4980dup, p.Ala1661fs (NM_001318829.2); c.4592_4593dup, p.Ala1532fs (NM_001318831.2); c.5156_5157dup, p.Ala1720fs (NM_001318832.2); c.5126_5127dup, p.Ala1710fs (NM_001363528.2); c.5192_5193dup, p.Ala1732fs (NM_001370404.1); and 3 more; short protein forms A1532fs, A1661fs, A1673fs, A1709fs, A1710fs, A1720fs, A1729fs, A1732fs.
Identifiers: ClinVar variation 1334834 (VCV001334834.8), dbSNP rs2151639909, ClinGen allele CA2573054168.